The following is an entry in ClinVar:

NM_015259.6(ICOSLG):c.721A>C (p.Lys241Gln)

Gene: ICOSLG (inducible T cell costimulator ligand; minus strand). Cytogenetic location: 21q22.3.
Variant type: single nucleotide variant.
Coding change: c.721A>C on transcript NM_015259.6 (MANE Select); coding-DNA position 721, A replaced by C.
Protein change: p.Lys241Gln; replaces lysine 241 with glutamine.
Molecular consequence: missense variant.
Genome position (GRCh38, 1-based): chr21:44,231,421, T>G on the plus strand (A>C on the coding strand, the complement: ICOSLG is on the minus strand). VCF-style: chr21-44231421-T-G. GRCh37 (hg19) VCF-style: chr21-45651304-T-G.
Other names: c.721A>C, p.Lys241Gln (NM_001283050.2, NM_001395918.1); c.370A>C, p.Lys124Gln (NM_001283051.2); c.466A>C, p.Lys156Gln (NM_001283052.2); c.640A>C, p.Lys214Gln (NM_001365759.2); short protein forms K124Q, K156Q, K214Q, K241Q.
Identifiers: ClinVar variation 3611063 (VCV003611063.2).

ClinVar aggregate classification (germline): Uncertain significance (1 of 4 stars; one submission).

Submission:

Labcorp Genetics (formerly Invitae), Labcorp
Classification: Uncertain significance. Last evaluated: 2024-11-29. Review status: criteria provided, single submitter. Criteria: Invitae Variant Classification Sherloc (09022015). Collection method: clinical testing. Allele origin: germline.
Comment: This sequence change replaces lysine, which is basic and polar, with glutamine, which is neutral and polar, at codon 241 of the ICOSLG protein (p.Lys241Gln). This variant is not present in population databases (gnomAD no frequency). This variant has not been reported in the literature in individuals affected with ICOSLG-related conditions. An algorithm developed to predict the effect of missense changes on protein structure and function (PolyPhen-2) suggests that this variant is likely to be tolerated. In summary, the available evidence is currently insufficient to determine the role of this variant in disease. Therefore, it has been classified as a Variant of Uncertain Significance.